The following is an entry in ClinVar:

ClinVar aggregate classification (germline): Pathogenic. Review status: criteria provided, multiple submitters, no conflicts (2 of 4 stars). 3 submissions from 3 submitters: Pathogenic (3). Last evaluated 2025-10-01.

Conditions:
Hereditary factor XI deficiency disease. Also called: Congenital factor XI deficiency; PLASMA THROMBOPLASTIN ANTECEDENT DEFICIENCY; PTA DEFICIENCY; ROSENTHAL SYNDROME. Identifiers: Orphanet 329, MedGen C0015523, MeSH D005173, MONDO:0012897, OMIM 612416.

gnomAD v4.1: 3 of 1,614,066 alleles (0.00019%); highest among the groups gnomAD compares: South Asian, 0.0033%; no homozygotes.

Submissions (3):

Mayo Clinic Laboratories, Mayo Clinic
Classification: Pathogenic. Last evaluated: 2025-10-01. Review status: criteria provided, single submitter. Criteria: ACMG Guidelines, 2015. Collection method: clinical testing. Allele origin: germline. Observed: 1 variant allele.
Comment: PM2_supporting, PM3, PS4, PVS1

Labcorp Genetics (formerly Invitae), Labcorp
Classification: Pathogenic. Last evaluated: 2025-05-12. Review status: criteria provided, single submitter. Criteria: Invitae Variant Classification Sherloc (09022015). Collection method: clinical testing. Allele origin: germline.
Comment: This sequence change creates a premature translational stop signal (p.Arg72*) in the F11 gene. It is expected to result in an absent or disrupted protein product. Loss-of-function variants in F11 are known to be pathogenic (PMID: 23929304). This variant is present in population databases (rs773987040, gnomAD 0.003%). This premature translational stop signal has been observed in individual(s) with Factor XI deficiency (PMID: 24112640). ClinVar contains an entry for this variant (Variation ID: 3382436). For these reasons, this variant has been classified as Pathogenic.

Juno Genomics, Hangzhou Juno Genomics, Inc
Classification: Pathogenic for Hereditary factor XI deficiency disease. Review status: criteria provided, single submitter. Criteria: ACMG Guidelines, 2015. Collection method: clinical testing. Allele origin: germline.
Comment: Absent from controls (or at extremely low frequency if recessive) in Genome Aggregation Database.;Null variant in a gene where loss of function (LOF) is a known mechanism of disease.;For recessive disorders, detected in trans with a pathogenic variant.

Literature cited by the submitters: PubMed 24112640 (cited by Mayo Clinic Laboratories, Mayo Clinic and Labcorp Genetics (formerly Invitae), Labcorp); PubMed 25681615 (cited by Mayo Clinic Laboratories, Mayo Clinic); PubMed 27067486 (cited by Mayo Clinic Laboratories, Mayo Clinic); PubMed 29178608 (cited by Mayo Clinic Laboratories, Mayo Clinic); PubMed 23929304 (cited by Labcorp Genetics (formerly Invitae), Labcorp).

NM_000128.4(F11):c.214C>T (p.Arg72Ter)

Gene: F11 (coagulation factor XI; plus strand). Cytogenetic location: 4q35.2.
Variant type: single nucleotide variant.
Coding change: c.214C>T on transcript NM_000128.4 (MANE Select); coding-DNA position 214, C replaced by T.
Protein change: p.Arg72Ter; replaces arginine 72 with a stop codon.
Molecular consequence: nonsense.
Genome position (GRCh38, 1-based): chr4:186,271,767, C>T. VCF-style: chr4-186271767-C-T. GRCh37 (hg19) VCF-style: chr4-187192921-C-T.
Other names: p.Arg72*; c.214C>T, p.Arg72Ter (NM_001354804.2); short protein forms R72*.
Identifiers: ClinVar variation 3382436 (VCV003382436.5).